The following is an entry in ClinVar:

NM_000088.4(COL1A1):c.4361T>C (p.Phe1454Ser)

Gene: COL1A1 (collagen type I alpha 1 chain; minus strand). Cytogenetic location: 17q21.33.
Variant type: single nucleotide variant.
Coding change: c.4361T>C on transcript NM_000088.4 (MANE Select); coding-DNA position 4361, T replaced by C.
Protein change: p.Phe1454Ser; replaces phenylalanine 1454 with serine.
Molecular consequence: missense variant.
Genome position (GRCh38, 1-based): chr17:50,185,536, A>G on the plus strand (T>C on the coding strand, the complement: COL1A1 is on the minus strand). VCF-style: chr17-50185536-A-G. GRCh37 (hg19) VCF-style: chr17-48262897-A-G.
Other names: short protein forms F1454S.
Identifiers: ClinVar variation 1691604 (VCV001691604.4), dbSNP rs2144529534, ClinGen allele CA400190010.

ClinVar aggregate classification (germline): Uncertain significance. Review status: criteria provided, multiple submitters, no conflicts (2 of 4 stars). 2 submissions from 2 submitters: Uncertain significance (2). Last evaluated 2024-03-25.

Conditions:
Osteogenesis imperfecta type I (OI1). Also called: Lobstein's Disease; Osteogenesis imperfecta type 1; Classic Non-deforming Osteogenesis Imperfecta with Blue Sclerae; OI, TYPE I; OSTEOGENESIS IMPERFECTA TARDA; OSTEOGENESIS IMPERFECTA WITH BLUE SCLERAE. Identifiers: Orphanet 216796, Orphanet 666, MedGen C0023931, MONDO:0008146, OMIM 166200. Disease mechanism: loss of function.

Submissions (2):

Genomic Medicine Center of Excellence, King Faisal Specialist Hospital and Research Centre
Classification: Uncertain significance for Osteogenesis imperfecta type I. Last evaluated: 2024-03-25. Review status: criteria provided, single submitter. Criteria: ACMG Guidelines, 2015. Collection method: clinical testing. Allele origin: germline.

GeneDx
Classification: Uncertain significance. Last evaluated: 2021-12-08. Review status: criteria provided, single submitter. Criteria: GeneDx Variant Classification Process June 2021. Collection method: clinical testing. Allele origin: germline. Affected: yes.
Comment: Not observed at significant frequency in large population cohorts (gnomAD); In silico analysis supports that this missense variant has a deleterious effect on protein structure/function; Has not been previously published as pathogenic or benign to our knowledge